The following is an entry in ClinVar:

ClinVar aggregate classification (germline): Uncertain significance. Review status: criteria provided, multiple submitters, no conflicts (2 of 4 stars). 3 submissions from 3 submitters: Uncertain significance (3). Last evaluated 2023-12-04.

Conditions:
Hereditary cancer-predisposing syndrome. Also called: Neoplastic Syndromes, Hereditary; Tumor predisposition; Hereditary Cancer Syndrome; Hereditary neoplastic syndrome. Identifiers: Orphanet 140162, MedGen C0027672, MeSH D009386, MONDO:0015356.
Familial cancer of breast. Also called: BREAST CANCER, FAMILIAL; Hereditary breast cancer; hereditary breast carcinoma. Identifiers: Orphanet 227535, MedGen C0346153, MONDO:0016419, OMIM 114480. Disease mechanism: loss of function.

Allele frequency attached by ClinVar (database versions not stated): gnomAD exomes below 0.00001.

Submissions (3):

Color Diagnostics, LLC DBA Color Health
Classification: Uncertain significance for Hereditary cancer-predisposing syndrome. Last evaluated: 2023-12-04. Review status: criteria provided, single submitter. Criteria: ACMG Guidelines, 2015. Collection method: clinical testing. Allele origin: germline.
Comment: This missense variant replaces methionine with threonine at codon 381 of the CHEK2 protein. Computational prediction is inconclusive regarding the impact of this variant on protein structure and function (internally defined REVEL score threshold 0.5 < inconclusive < 0.7, PMID: 27666373). To our knowledge, functional studies have not been reported for this variant. This variant has not been reported in individuals affected with CHEK2-related disorders in the literature. This variant has not been identified in the general population by the Genome Aggregation Database (gnomAD). The available evidence is insufficient to determine the role of this variant in disease conclusively. Therefore, this variant is classified as a Variant of Uncertain Significance.

Labcorp Genetics (formerly Invitae), Labcorp
Classification: Uncertain significance for Familial cancer of breast. Last evaluated: 2023-08-25. Review status: criteria provided, single submitter. Criteria: Invitae Variant Classification Sherloc (09022015). Collection method: clinical testing. Allele origin: germline.
Comment: This sequence change replaces methionine, which is neutral and non-polar, with threonine, which is neutral and polar, at codon 381 of the CHEK2 protein (p.Met381Thr). This variant is not present in population databases (gnomAD no frequency). This variant has not been reported in the literature in individuals affected with CHEK2-related conditions. ClinVar contains an entry for this variant (Variation ID: 921159). An algorithm developed to predict the effect of missense changes on protein structure and function (PolyPhen-2) suggests that this variant is likely to be disruptive. In summary, the available evidence is currently insufficient to determine the role of this variant in disease. Therefore, it has been classified as a Variant of Uncertain Significance.

Ambry Genetics
Classification: Uncertain significance for Hereditary cancer-predisposing syndrome. Last evaluated: 2023-05-31. Review status: criteria provided, single submitter. Criteria: Ambry Variant Classification Scheme 2023. Collection method: clinical testing. Allele origin: germline.
Comment: The p.M381T variant (also known as c.1142T>C), located in coding exon 10 of the CHEK2 gene, results from a T to C substitution at nucleotide position 1142. The methionine at codon 381 is replaced by threonine, an amino acid with similar properties. This amino acid position is conserved. In addition, this alteration is predicted to be deleterious by in silico analysis. Since supporting evidence is limited at this time, the clinical significance of this alteration remains unclear.

NM_007194.4(CHEK2):c.1142T>C (p.Met381Thr)

Gene: CHEK2 (checkpoint kinase 2; minus strand). Cytogenetic location: 22q12.1.
Variant type: single nucleotide variant.
Coding change: c.1142T>C on transcript NM_007194.4 (MANE Select); coding-DNA position 1142, T replaced by C.
Protein change: p.Met381Thr; replaces methionine 381 with threonine.
Molecular consequence: missense variant.
Genome position (GRCh38, 1-based): chr22:28,695,827, A>G on the plus strand (T>C on the coding strand, the complement: CHEK2 is on the minus strand). VCF-style: chr22-28695827-A-G. GRCh37 (hg19) VCF-style: chr22-29091815-A-G.
Other names: c.1271T>C, p.Met424Thr (NM_001005735.3); c.479T>C, p.Met160Thr (NM_001257387.3); c.941T>C, p.Met314Thr (NM_001349956.3); c.1055T>C, p.Met352Thr (NM_145862.3); short protein forms M160T, M381T, M424T, M352T, M314T.
Identifiers: ClinVar variation 921159 (VCV000921159.9), dbSNP rs1569114039, ClinGen allele CA411096946.
Genomic context (GRCh38, chr22:28,695,827, plus strand): 5'-GTCCCAACAGAAACAAGAACTTCAGGCGCCAAGTAGGTGGGGGTTCCACATAAGGTTCTC[A>G]TGAGAGAGGTCTCTCCCAAAATCTTGGAGTGCCCAAAATCAGTAATCTAAAATTCAGTAC-3'
Protein context (NP_009125.1, residues 371-391): HSKILGETSL[Met381Thr]RTLCGTPTYL